The following is an entry in ClinVar:

ClinVar aggregate classification (germline): Uncertain significance. Review status: criteria provided, multiple submitters, no conflicts (2 of 4 stars). 2 submissions from 2 submitters: Uncertain significance (2). Last evaluated 2025-09-23.

Conditions:
Hereditary cancer-predisposing syndrome. Also called: Neoplastic Syndromes, Hereditary; Tumor predisposition; Hereditary neoplastic syndrome; Hereditary Cancer Syndrome. Identifiers: Orphanet 140162, MedGen C0027672, MeSH D009386, MONDO:0015356.
Renal cell carcinoma. Identifiers: Orphanet 217071, MedGen C0007134, MeSH D002292, MONDO:0005086, HP:0005584.

Submissions (2):

Ambry Genetics
Classification: Uncertain significance for Hereditary cancer-predisposing syndrome. Last evaluated: 2025-09-23. Review status: criteria provided, single submitter. Criteria: Ambry Variant Classification Scheme 2023. Collection method: clinical testing. Allele origin: germline.
Comment: The p.N607H variant (also known as c.1819A>C), located in coding exon 5 of the MET gene, results from an A to C substitution at nucleotide position 1819. The asparagine at codon 607 is replaced by histidine, an amino acid with similar properties. This amino acid position is well conserved in available vertebrate species. In addition, this alteration is predicted to be tolerated by in silico analysis. Based on the available evidence, the clinical significance of this variant remains unclear.

Labcorp Genetics (formerly Invitae), Labcorp
Classification: Uncertain significance for Renal cell carcinoma. Last evaluated: 2023-11-19. Review status: criteria provided, single submitter. Criteria: Invitae Variant Classification Sherloc (09022015). Collection method: clinical testing. Allele origin: germline.
Comment: This sequence change replaces asparagine, which is neutral and polar, with histidine, which is basic and polar, at codon 607 of the MET protein (p.Asn607His). This variant is not present in population databases (gnomAD no frequency). This variant has not been reported in the literature in individuals affected with MET-related conditions. Advanced modeling of protein sequence and biophysical properties (such as structural, functional, and spatial information, amino acid conservation, physicochemical variation, residue mobility, and thermodynamic stability) performed at Invitae indicates that this missense variant is not expected to disrupt MET protein function with a negative predictive value of 80%. In summary, the available evidence is currently insufficient to determine the role of this variant in disease. Therefore, it has been classified as a Variant of Uncertain Significance.

NM_000245.4(MET):c.1819A>C (p.Asn607His)

Gene: MET (MET proto-oncogene, receptor tyrosine kinase; plus strand). Cytogenetic location: 7q31.2.
Variant type: single nucleotide variant.
Coding change: c.1819A>C on transcript NM_000245.4 (MANE Select); coding-DNA position 1819, A replaced by C.
Protein change: p.Asn607His; replaces asparagine 607 with histidine.
Molecular consequence: missense variant.
Genome position (GRCh38, 1-based): chr7:116,755,472, A>C. VCF-style: chr7-116755472-A-C. GRCh37 (hg19) VCF-style: chr7-116395526-A-C.
Other names: c.1819A>C, p.Asn607His (NM_001127500.3, NM_001324401.3); c.529A>C, p.Asn177His (NM_001324402.2); short protein forms N607H, N177H.
Identifiers: ClinVar variation 2695777 (VCV002695777.4), dbSNP rs2485700948, ClinGen allele CA368978098.